The following is an entry in ClinVar:

ClinVar aggregate classification (germline): Likely benign. Review status: criteria provided, multiple submitters, no conflicts (2 of 4 stars). 3 submissions from 3 submitters: Likely benign (2). 1 of the submissions does not count toward it. Last evaluated 2025-11-13.

Conditions:
RTTN-related disorder. Also called: RTTN-related condition.

Allele frequency attached by ClinVar (database versions not stated): TOPMed 0.00004; gnomAD 0.00006; ExAC 0.00013; gnomAD exomes 0.00013; 1000 Genomes Project 30x 0.00031; 1000 Genomes Project 0.00040.
gnomAD v4.1: 192 of 1,609,818 alleles (0.012%); highest among the groups gnomAD compares: East Asian, 0.42%; 1 homozygote.

Submissions (3):

Labcorp Genetics (formerly Invitae), Labcorp
Classification: Likely benign. Last evaluated: 2025-11-13. Review status: criteria provided, single submitter. Criteria: Invitae Variant Classification Sherloc (09022015). Collection method: clinical testing. Allele origin: germline.

Blueprint Genetics
Classification: Likely benign. Last evaluated: 2024-10-09. Review status: criteria provided, single submitter. Criteria: ACMG Guidelines, 2015. Collection method: clinical testing. Allele origin: germline.

PreventionGenetics, part of Exact Sciences
Classification: Likely benign for RTTN-related condition. Last evaluated: 2023-07-20. Review status: no assertion criteria provided. Collection method: clinical testing. Allele origin: germline. Not counted in ClinVar's aggregate classification.
Comment: This variant is classified as likely benign based on ACMG/AMP sequence variant interpretation guidelines (Richards et al. 2015 PMID: 25741868, with internal and published modifications).

NM_173630.4(RTTN):c.3927G>A (p.Glu1309=)

Gene: RTTN (rotatin; minus strand). Cytogenetic location: 18q22.2.
Variant type: single nucleotide variant.
Coding change: c.3927G>A on transcript NM_173630.4 (MANE Select); coding-DNA position 3927, G replaced by A.
Protein change: p.Glu1309=; no amino-acid change (glutamic acid 1309 retained).
Molecular consequence: synonymous variant.
Genome position (GRCh38, 1-based): chr18:70,092,781, C>T on the plus strand (G>A on the coding strand, the complement: RTTN is on the minus strand). VCF-style: chr18-70092781-C-T. GRCh37 (hg19) VCF-style: chr18-67760017-C-T.
Other names: c.3927G>A (NM_173630.3); c.1191G>A, p.Glu397= (NM_001318520.2).
Identifiers: ClinVar variation 1990255 (VCV001990255.7), dbSNP rs146752708, ClinGen allele CA8995449.
Genomic context (GRCh38, chr18:70,092,781, plus strand): 5'-GCAAAGAATTGTGCTCTTTGTAACACCTTTTCCCATGAAGGACATAGCATTTCCTCCACG[C>T]TCCACATAAAAAGAAGTAATGACCTGAAAAACAAATGTAAACAATTTCATGGTGGCTTTA-3'
Protein context (NP_775901.3, residues 1299-1319): LLEVITSFYV[Glu1309=]RGGNAMSFMG